The following is an entry in ClinVar:

NM_001042432.2(CLN3):c.33T>C (p.Phe11=)

Gene: CLN3 (CLN3 lysosomal/endosomal transmembrane protein, battenin; minus strand). Cytogenetic location: 16p12.1.
Variant type: single nucleotide variant.
Coding change: c.33T>C on transcript NM_001042432.2 (MANE Select); coding-DNA position 33, T replaced by C.
Protein change: p.Phe11=; no amino-acid change (phenylalanine 11 retained).
Molecular consequence: synonymous variant. On other transcripts: 5 prime UTR variant (3).
Genome position (GRCh38, 1-based): chr16:28,491,727, A>G on the plus strand (T>C on the coding strand, the complement: CLN3 is on the minus strand). VCF-style: chr16-28491727-A-G. GRCh37 (hg19) VCF-style: chr16-28503048-A-G.
Other names: c.33T>C, p.Phe11= (NM_000086.2, NM_001286104.2); c.-109T>C (NM_001286105.2); c.-51T>C (NM_001286109.2, NM_001286110.2).
Identifiers: ClinVar variation 507426 (VCV000507426.12), dbSNP rs1555469504, ClinGen allele CA494474614.

ClinVar aggregate classification (germline): Likely benign. Review status: criteria provided, multiple submitters, no conflicts (2 of 4 stars). 3 submissions from 3 submitters: Likely benign (2). 1 of the submissions does not count toward it. Last evaluated 2025-08-18.

Conditions:
Neuronal ceroid lipofuscinosis. Also called: Neuronal Ceroid Lipofuscinoses. Identifiers: Orphanet 216, Orphanet 79263, MedGen C0027877, MONDO:0016295. Disease mechanism: loss of function.

Allele frequency attached by ClinVar (database versions not stated): gnomAD exomes below 0.00001; gnomAD 0.00001.
gnomAD v4.1: 3 of 1,613,936 alleles (0.00019%); highest among the groups gnomAD compares: Admixed American, 0.0033%; no homozygotes.

Submissions (3):

Labcorp Genetics (formerly Invitae), Labcorp
Classification: Likely benign for Neuronal ceroid lipofuscinosis. Last evaluated: 2025-08-18. Review status: criteria provided, single submitter. Criteria: Invitae Variant Classification Sherloc (09022015). Collection method: clinical testing. Allele origin: germline.

GeneDx
Classification: Likely benign. Last evaluated: 2017-02-14. Review status: criteria provided, single submitter. Criteria: GeneDx Variant Classification (06012015). Collection method: clinical testing. Allele origin: germline. Affected: yes.
Comment: This variant is considered likely benign or benign based on one or more of the following criteria: it is a conservative change, it occurs at a poorly conserved position in the protein, it is predicted to be benign by multiple in silico algorithms, and/or has population frequency not consistent with disease.

Natera, Inc.
Classification: Likely benign for Neuronal ceroid lipofuscinosis. Last evaluated: 2020-09-16. Review status: no assertion criteria provided. Collection method: clinical testing. Allele origin: germline. Not counted in ClinVar's aggregate classification.